The following is an entry in ClinVar:

NM_000133.4(F9):c.373G>A (p.Gly125Arg)

Gene: F9 (coagulation factor IX; plus strand). Cytogenetic location: Xq27.1.
Variant type: single nucleotide variant.
Coding change: c.373G>A on transcript NM_000133.4 (MANE Select); coding-DNA position 373, G replaced by A.
Protein change: p.Gly125Arg; replaces glycine 125 with arginine.
Molecular consequence: missense variant. On other transcripts: intron variant (1).
Genome position (GRCh38, 1-based): chrX:139,541,171, G>A. VCF-style: chrX-139541171-G-A. GRCh37 (hg19) VCF-style: chrX-138623330-G-A.
Other names: c.277+3785G>A (NM_001313913.2); short protein forms G125R.
Identifiers: ClinVar variation 4081674 (VCV004081674.1).

ClinVar aggregate classification (germline): Likely pathogenic (1 of 4 stars; one submission).

Conditions:
Hereditary factor IX deficiency disease (HEMB). Also called: F9 DEFICIENCY; FACTOR IX DEFICIENCY; PLASMA THROMBOPLASTIN COMPONENT DEFICIENCY; Hemophilia B; Christmas Disease. Identifiers: Orphanet 98879, MedGen C0008533, MeSH D002836, MONDO:0010604, OMIM 306900.

Submission:

Myriad Genetics, Inc.
Classification: Likely pathogenic for Hereditary factor IX deficiency disease. Last evaluated: 2025-06-17. Review status: criteria provided, single submitter. Criteria: Myriad Autosomal Dominant, Autosomal Recessive and X-Linked Classification Criteria (2023). Collection method: clinical testing. Allele origin: unknown.
Comment: NM_000133.3(F9):c.373G>A(G125R) is a missense variant classified as likely pathogenic in the context of hemophilia B. G125R has been observed in cases with relevant disease (PMID: 19699296, 22639855, 24261420, 10739381, 29296726, 8594556). Relevant functional assessments of this variant are not available in the literature. G125R has not been observed in referenced population frequency databases. In summary, NM_000133.3(F9):c.373G>A(G125R) is a missense variant that has been observed more frequently in cases with the relevant disease than in healthy populations. Please note: this variant was assessed in the context of healthy population screening.

Literature cited by the submitters: PubMed 10739381; PubMed 19699296; PubMed 22639855; PubMed 24261420; PubMed 29296726; PubMed 8594556.